The following is an entry in ClinVar:

NM_001039.4(SCNN1G):c.310C>G (p.Pro104Ala)

Gene: SCNN1G (sodium channel epithelial 1 subunit gamma; plus strand). Cytogenetic location: 16p12.2.
Variant type: single nucleotide variant.
Coding change: c.310C>G on transcript NM_001039.4 (MANE Select); coding-DNA position 310, C replaced by G.
Protein change: p.Pro104Ala; replaces proline 104 with alanine.
Molecular consequence: missense variant.
Genome position (GRCh38, 1-based): chr16:23,186,581, C>G. VCF-style: chr16-23186581-C-G. GRCh37 (hg19) VCF-style: chr16-23197902-C-G.
Other names: short protein forms P104A.
Identifiers: ClinVar variation 4761259 (VCV004761259.1).

ClinVar aggregate classification (germline): Uncertain significance (1 of 4 stars; one submission).

gnomAD v4.1: 1 of 1,612,340 alleles (0.000062%); highest among the groups gnomAD compares: Middle Eastern, 0.016%; no homozygotes.

Submission:

Labcorp Genetics (formerly Invitae), Labcorp
Classification: Uncertain significance. Last evaluated: 2025-08-20. Review status: criteria provided, single submitter. Criteria: Invitae Variant Classification Sherloc (09022015). Collection method: clinical testing. Allele origin: germline.
Comment: This sequence change replaces proline, which is neutral and non-polar, with alanine, which is neutral and non-polar, at codon 104 of the SCNN1G protein (p.Pro104Ala). This variant is not present in population databases (gnomAD no frequency). This variant has not been reported in the literature in individuals affected with SCNN1G-related conditions. Invitae Evidence Modeling of protein sequence and biophysical properties (such as structural, functional, and spatial information, amino acid conservation, physicochemical variation, residue mobility, and thermodynamic stability) has been performed for this missense variant. However, the output from this modeling did not meet the statistical confidence thresholds required to predict the impact of this variant on SCNN1G protein function. In summary, the available evidence is currently insufficient to determine the role of this variant in disease. Therefore, it has been classified as a Variant of Uncertain Significance.